The following is an entry in ClinVar:

ClinVar aggregate classification (germline): Uncertain significance (1 of 4 stars; one submission).

Conditions:
Hereditary cancer-predisposing syndrome. Also called: Hereditary neoplastic syndrome; Neoplastic Syndromes, Hereditary; Tumor predisposition; Hereditary Cancer Syndrome. Identifiers: Orphanet 140162, MedGen C0027672, MeSH D009386, MONDO:0015356.

Submission:

Ambry Genetics
Classification: Uncertain significance for Hereditary cancer-predisposing syndrome. Last evaluated: 2025-02-03. Review status: criteria provided, single submitter. Criteria: Ambry Variant Classification Scheme 2023. Collection method: clinical testing. Allele origin: germline.
Comment: The p.A808V variant (also known as c.2423C>T), located in coding exon 10 of the AXIN2 gene, results from a C to T substitution at nucleotide position 2423. The alanine at codon 808 is replaced by valine, an amino acid with similar properties. This amino acid position is conserved. In addition, the in silico prediction for this alteration is inconclusive. Based on the available evidence, the clinical significance of this variant remains unclear.

NM_004655.4(AXIN2):c.2423C>T (p.Ala808Val)

Gene: AXIN2 (axin 2; minus strand). Cytogenetic location: 17q24.1.
Variant type: single nucleotide variant.
Coding change: c.2423C>T on transcript NM_004655.4 (MANE Select); coding-DNA position 2423, C replaced by T.
Protein change: p.Ala808Val; replaces alanine 808 with valine.
Molecular consequence: missense variant.
Genome position (GRCh38, 1-based): chr17:65,530,085, G>A on the plus strand (C>T on the coding strand, the complement: AXIN2 is on the minus strand). VCF-style: chr17-65530085-G-A. GRCh37 (hg19) VCF-style: chr17-63526203-G-A.
Other names: c.2228C>T, p.Ala743Val (NM_001363813.1); short protein forms A743V, A808V.
Identifiers: ClinVar variation 3814554 (VCV003814554.1).